The following is an entry in ClinVar:

NM_004360.5(CDH1):c.1547T>G (p.Phe516Cys)

Gene: CDH1 (cadherin 1; plus strand). Cytogenetic location: 16q22.1.
Variant type: single nucleotide variant.
Coding change: c.1547T>G on transcript NM_004360.5 (MANE Select); coding-DNA position 1547, T replaced by G.
Protein change: p.Phe516Cys; replaces phenylalanine 516 with cysteine.
Molecular consequence: missense variant. On other transcripts: 5 prime UTR variant (2).
Genome position (GRCh38, 1-based): chr16:68,815,741, T>G. VCF-style: chr16-68815741-T-G. GRCh37 (hg19) VCF-style: chr16-68849644-T-G.
Other names: c.1364T>G, p.Phe455Cys (NM_001317184.2); c.-2T>G (NM_001317185.2); c.-273T>G (NM_001317186.2); short protein forms F516C, F455C.
Identifiers: ClinVar variation 819486 (VCV000819486.5), dbSNP rs1597898295, ClinGen allele CA396463577.
Genomic context (GRCh38, chr16:68,815,741, plus strand): 5'-CCGAGGACTTTGGCGTGGGCCAGGAAATCACATCCTACACTGCCCAGGAGCCAGACACAT[T>G]TATGGAACAGAAAATAACGTAAGTGTGAGGATTTTTCAACTGACTTGCAGCAACTGGTTA-3'
Protein context (NP_004351.1, residues 506-526): TSYTAQEPDT[Phe516Cys]MEQKITYRIW

ClinVar aggregate classification (germline): Uncertain significance (1 of 4 stars; one submission).

Conditions:
Hereditary cancer-predisposing syndrome. Also called: Neoplastic Syndromes, Hereditary; Tumor predisposition; Hereditary Cancer Syndrome; Hereditary neoplastic syndrome. Identifiers: Orphanet 140162, MedGen C0027672, MeSH D009386, MONDO:0015356.

Allele frequency attached by ClinVar (database versions not stated): gnomAD 0.00001.
gnomAD v4.1: 1 of 1,614,146 alleles (0.000062%); highest among the groups gnomAD compares: African/African-American, 0.0013%; no homozygotes.

Submission:

Ambry Genetics
Classification: Uncertain significance for Hereditary cancer-predisposing syndrome. Last evaluated: 2024-11-05. Review status: criteria provided, single submitter. Criteria: Ambry Variant Classification Scheme 2023. Collection method: clinical testing. Allele origin: germline.
Comment: The p.F516C variant (also known as c.1547T>G), located in coding exon 10 of the CDH1 gene, results from a T to G substitution at nucleotide position 1547. The phenylalanine at codon 516 is replaced by cysteine, an amino acid with highly dissimilar properties. This amino acid position is not well conserved in available vertebrate species. In addition, this alteration is predicted to be tolerated by in silico analysis. Based on the available evidence, the clinical significance of this variant remains unclear.